The following is an entry in ClinVar:

ClinVar aggregate classification (germline): Uncertain significance (1 of 4 stars; one submission).

Allele frequency attached by ClinVar (database versions not stated): gnomAD exomes below 0.00001.
gnomAD v4.1: 1 of 1,614,208 alleles (0.000062%); highest among the groups gnomAD compares: Non-Finnish European, 0.000085%; no homozygotes.

Submission:

Labcorp Genetics (formerly Invitae), Labcorp
Classification: Uncertain significance. Last evaluated: 2022-05-18. Review status: criteria provided, single submitter. Criteria: Invitae Variant Classification Sherloc (09022015). Collection method: clinical testing. Allele origin: germline.
Comment: This sequence change replaces cysteine, which is neutral and slightly polar, with tyrosine, which is neutral and polar, at codon 742 of the LAMA1 protein (p.Cys742Tyr). This variant is not present in population databases (gnomAD no frequency). This variant has not been reported in the literature in individuals affected with LAMA1-related conditions. Algorithms developed to predict the effect of missense changes on protein structure and function are either unavailable or do not agree on the potential impact of this missense change (SIFT: "Deleterious"; PolyPhen-2: "Probably Damaging"; Align-GVGD: "Class C0"). In summary, the available evidence is currently insufficient to determine the role of this variant in disease. Therefore, it has been classified as a Variant of Uncertain Significance.

NM_005559.4(LAMA1):c.2225G>A (p.Cys742Tyr)

Gene: LAMA1 (laminin subunit alpha 1; minus strand). Cytogenetic location: 18p11.31.
Variant type: single nucleotide variant.
Coding change: c.2225G>A on transcript NM_005559.4 (MANE Select); coding-DNA position 2225, G replaced by A.
Protein change: p.Cys742Tyr; replaces cysteine 742 with tyrosine.
Molecular consequence: missense variant.
Genome position (GRCh38, 1-based): chr18:7,032,115, C>T on the plus strand (G>A on the coding strand, the complement: LAMA1 is on the minus strand). VCF-style: chr18-7032115-C-T. GRCh37 (hg19) VCF-style: chr18-7032114-C-T.
Other names: short protein forms C742Y.
Identifiers: ClinVar variation 2417293 (VCV002417293.6), dbSNP rs2510084130, ClinGen allele CA401828967.
Genomic context (GRCh38, chr18:7,032,115, plus strand): 5'-GAGAGACTCACAATGCAAACGCCGTGAACATTACACTCAGCTGCATGGCCGTGGCATTCA[C>T]AGGGTTGACAAATTCCTCCAAAGAGTATTCCATCCACGCGGTAATAGCCAGAGAGGCACG-3'
Protein context (NP_005550.2, residues 732-752): GILFGGICQP[Cys742Tyr]ECHGHAAECN